The following is an entry in ClinVar:

ClinVar aggregate classification (germline): Uncertain significance (1 of 4 stars; one submission).

Submission:

Labcorp Genetics (formerly Invitae), Labcorp
Classification: Uncertain significance. Last evaluated: 2025-08-02. Review status: criteria provided, single submitter. Criteria: Invitae Variant Classification Sherloc (09022015). Collection method: clinical testing. Allele origin: germline.
Comment: This sequence change replaces arginine, which is basic and polar, with glycine, which is neutral and non-polar, at codon 26 of the ICOSLG protein (p.Arg26Gly). This variant is not present in population databases (gnomAD no frequency). This variant has not been reported in the literature in individuals affected with ICOSLG-related conditions. An algorithm developed to predict the effect of missense changes on protein structure and function outputs the following: PolyPhen-2: "Benign". The glycine amino acid residue is found in multiple mammalian species, which suggests that this missense change does not adversely affect protein function. In summary, the available evidence is currently insufficient to determine the role of this variant in disease. Therefore, it has been classified as a Variant of Uncertain Significance.

NM_015259.6(ICOSLG):c.76A>G (p.Arg26Gly)

Gene: ICOSLG (inducible T cell costimulator ligand; minus strand). Cytogenetic location: 21q22.3.
Variant type: single nucleotide variant.
Coding change: c.76A>G on transcript NM_015259.6 (MANE Select); coding-DNA position 76, A replaced by G.
Protein change: p.Arg26Gly; replaces arginine 26 with glycine.
Molecular consequence: missense variant. On other transcripts: 5 prime UTR variant (1), intron variant (2).
Genome position (GRCh38, 1-based): chr21:44,237,197, T>C on the plus strand (A>G on the coding strand, the complement: ICOSLG is on the minus strand). VCF-style: chr21-44237197-T-C. GRCh37 (hg19) VCF-style: chr21-45657080-T-C.
Other names: c.76A>G, p.Arg26Gly (NM_001283050.2, NM_001395918.1); c.-6A>G (NM_001365759.2); c.55+1251A>G (NM_001283051.2); c.-48-132A>G (NM_001283052.2); short protein forms R26G.
Identifiers: ClinVar variation 4698405 (VCV004698405.1).
Genomic context (GRCh38, chr21:44,237,197, plus strand): 5'-CAAAACGGCTTCCTTCAGGGCAAGCGCAGCTGAGCTCCACGTCGCTGCCTACCATCGCTC[T>C]GACTTCCTTCTCCTGAGTATCTGCAATGGCCCAAAAGGTGCAAAATCTGTTTTCGGAGGC-3'
Protein context (NP_056074.1, residues 16-36): LRADTQEKEV[Arg26Gly]AMVGSDVELS